The following is an entry in ClinVar:

NM_000051.4(ATM):c.3756T>C (p.Tyr1252=)

Gene: ATM (ATM serine/threonine kinase; plus strand). Cytogenetic location: 11q22.3.
Variant type: single nucleotide variant.
Coding change: c.3756T>C on transcript NM_000051.4 (MANE Select); coding-DNA position 3756, T replaced by C.
Protein change: p.Tyr1252=; no amino-acid change (tyrosine 1252 retained).
Molecular consequence: synonymous variant.
Genome position (GRCh38, 1-based): chr11:108,284,236, T>C. VCF-style: chr11-108284236-T-C. GRCh37 (hg19) VCF-style: chr11-108154963-T-C.
Other names: c.3756T>C, p.Tyr1252= (NM_001351834.2).
Identifiers: ClinVar variation 490547 (VCV000490547.14), dbSNP rs886039637, ClinGen allele CA476744947.

ClinVar aggregate classification (germline): Benign/Likely benign. Review status: criteria provided, multiple submitters, no conflicts (2 of 4 stars). 4 submissions from 4 submitters: Benign (1); Likely benign (3). Last evaluated 2025-08-05.

Conditions:
Hereditary cancer-predisposing syndrome. Also called: Tumor predisposition; Neoplastic Syndromes, Hereditary; Hereditary Cancer Syndrome; Hereditary neoplastic syndrome. Identifiers: Orphanet 140162, MedGen C0027672, MeSH D009386, MONDO:0015356.
Familial cancer of breast. Also called: BREAST CANCER, FAMILIAL; hereditary breast carcinoma; Hereditary breast cancer. Identifiers: Orphanet 227535, MedGen C0346153, MONDO:0016419, OMIM 114480. Disease mechanism: loss of function.
Ataxia-telangiectasia syndrome (AT). Also called: Ataxia-telangiectasia; Ataxia-telangiectasia, complementation group D; AT, COMPLEMENTATION GROUP C; LOUIS-BAR SYNDROME; Cerebello-oculocutaneous telangiectasia; Immunodeficiency with ataxia telangiectasia. Identifiers: Orphanet 100, MedGen C0004135, MONDO:0008840, OMIM 208900.

Allele frequency attached by ClinVar (database versions not stated): gnomAD exomes 0.00001.
gnomAD v4.1: 6 of 1,608,238 alleles (0.00037%); highest among the groups gnomAD compares: East Asian, 0.0022%; no homozygotes.

Submissions (4):

Labcorp Genetics (formerly Invitae), Labcorp
Classification: Likely benign for Ataxia-telangiectasia syndrome. Last evaluated: 2025-08-05. Review status: criteria provided, single submitter. Criteria: Invitae Variant Classification Sherloc (09022015). Collection method: clinical testing. Allele origin: germline.

Myriad Genetics, Inc.
Classification: Benign for Familial cancer of breast. Last evaluated: 2024-05-15. Review status: criteria provided, single submitter. Criteria: Myriad Autosomal Dominant, Autosomal Recessive and X-Linked Classification Criteria (2023). Collection method: clinical testing. Allele origin: unknown.
Comment: This variant is considered benign. This variant is a silent/synonymous amino acid change and it is not expected to impact splicing.

Ambry Genetics
Classification: Likely benign for Hereditary cancer-predisposing syndrome. Last evaluated: 2019-11-25. Review status: criteria provided, single submitter. Criteria: Ambry Variant Classification Scheme 2023. Collection method: clinical testing. Allele origin: germline.

Color Diagnostics, LLC DBA Color Health
Classification: Likely benign for Hereditary cancer-predisposing syndrome. Last evaluated: 2017-03-08. Review status: criteria provided, single submitter. Criteria: ACMG Guidelines, 2015. Collection method: clinical testing. Allele origin: germline.